The following is an entry in ClinVar:

NM_033305.3(VPS13A):c.3091del (p.Asp1031fs)

Gene: VPS13A (vacuolar protein sorting 13 homolog A; plus strand). Cytogenetic location: 9q21.2.
Variant type: Deletion.
Coding change: c.3091del on transcript NM_033305.3 (MANE Select); coding-DNA position 3091, one base deleted (G; older notation c.3091delG).
Protein change: p.Asp1031fs; shifts the reading frame from aspartic acid 1031.
Molecular consequence: frameshift variant.
Genome position (GRCh38, 1-based): chr9:77,282,247, G deleted. VCF-style (leftmost placement, unchanged base first): chr9-77282246-AG-A. GRCh37 (hg19) VCF-style: chr9-79897162-AG-A.
Other names: c.3091del, p.Asp1031fs (NM_001018037.2, NM_001018038.3, NM_015186.4); short protein forms D1031fs.
Identifiers: ClinVar variation 2041155 (VCV002041155.4), dbSNP rs1236651659, ClinGen allele CA867102638.

ClinVar aggregate classification (germline): Pathogenic (1 of 4 stars; one submission).

Allele frequency attached by ClinVar (database versions not stated): TOPMed below 0.00001; gnomAD 0.00001.

Submission:

Labcorp Genetics (formerly Invitae), Labcorp
Classification: Pathogenic. Last evaluated: 2021-12-12. Review status: criteria provided, single submitter. Criteria: Invitae Variant Classification Sherloc (09022015). Collection method: clinical testing. Allele origin: germline.
Comment: This variant has not been reported in the literature in individuals affected with VPS13A-related conditions. This variant is not present in population databases (gnomAD no frequency). This sequence change creates a premature translational stop signal (p.Asp1031Thrfs*9) in the VPS13A gene. It is expected to result in an absent or disrupted protein product. Loss-of-function variants in VPS13A are known to be pathogenic (PMID: 12404112, 21598378). For these reasons, this variant has been classified as Pathogenic.

Literature cited by the submitters: PubMed 12404112; PubMed 21598378.